The following is an entry in ClinVar:

NM_003873.7(NRP1):c.2004C>T (p.His668=)

Gene: NRP1 (neuropilin 1; minus strand). Cytogenetic location: 10p11.22.
Variant type: single nucleotide variant.
Coding change: c.2004C>T on transcript NM_003873.7 (MANE Select); coding-DNA position 2004, C replaced by T.
Protein change: p.His668=; no amino-acid change (histidine 668 retained).
Molecular consequence: synonymous variant. On other transcripts: non-coding transcript variant (1).
Genome position (GRCh38, 1-based): chr10:33,192,339, G>A on the plus strand (C>T on the coding strand, the complement: NRP1 is on the minus strand). VCF-style: chr10-33192339-G-A. GRCh37 (hg19) VCF-style: chr10-33481267-G-A.
Other names: c.1983C>T, p.His661= (NM_001244972.2, NM_001244973.2); c.2004C>T, p.His668= (NM_001330068.2).
Identifiers: ClinVar variation 3354192 (VCV003354192.1).

ClinVar aggregate classification (germline): Likely benign (0 of 4 stars; one submission).

Conditions:
NRP1-related disorder. Also called: NRP1-related condition.

gnomAD v4.1: 13 of 1,613,866 alleles (0.00081%); highest among the groups gnomAD compares: South Asian, 0.0066%; no homozygotes.

Submission:

PreventionGenetics, part of Exact Sciences
Classification: Likely benign for NRP1-related condition. Last evaluated: 2022-05-02. Review status: no assertion criteria provided. Collection method: clinical testing. Allele origin: germline.
Comment: This variant is classified as likely benign based on ACMG/AMP sequence variant interpretation guidelines (Richards et al. 2015 PMID: 25741868, with internal and published modifications).